The following is an entry in ClinVar:

NM_015294.6(TRIM37):c.1948+5A>G

Gene: TRIM37 (tripartite motif containing 37; minus strand). Cytogenetic location: 17q22.
Variant type: single nucleotide variant.
Coding change: c.1948+5A>G on transcript NM_015294.6 (MANE Select); 5 bases into the intron after coding-DNA position 1948, A replaced by G.
Molecular consequence: intron variant.
Genome position (GRCh38, 1-based): chr17:59,031,891, T>C on the plus strand (A>G on the coding strand, the complement: TRIM37 is on the minus strand). VCF-style: chr17-59031891-T-C. GRCh37 (hg19) VCF-style: chr17-57109252-T-C.
Other names: c.1948+5A>G (NM_001320989.3, NM_001005207.5, NM_001320988.3 and 1 more transcripts); c.1486+5A>G (NM_001353085.2); c.1846+5A>G (NM_001320987.3, NM_001353082.2); c.1897+5A>G (NM_001353086.2); c.1213+5A>G (NM_001353083.2); c.1582+5A>G (NM_001320990.3).
Identifiers: ClinVar variation 1467865 (VCV001467865.4), dbSNP rs141283338, ClinGen allele CA8678174.

ClinVar aggregate classification (germline): Uncertain significance (1 of 4 stars; one submission).

Allele frequency attached by ClinVar (database versions not stated): gnomAD 0.00001; gnomAD exomes 0.00001 and 0.00002; TOPMed 0.00002; ExAC 0.00003; 1000 Genomes Project 30x 0.00016; 1000 Genomes Project 0.00020.

Submission:

Labcorp Genetics (formerly Invitae), Labcorp
Classification: Uncertain significance. Last evaluated: 2025-02-17. Review status: criteria provided, single submitter. Criteria: Invitae Variant Classification Sherloc (09022015). Collection method: clinical testing. Allele origin: germline.
Comment: This sequence change falls in intron 18 of the TRIM37 gene. It does not directly change the encoded amino acid sequence of the TRIM37 protein. It affects a nucleotide within the consensus splice site. This variant is present in population databases (rs141283338, gnomAD 0.01%). This variant has not been reported in the literature in individuals affected with TRIM37-related conditions. ClinVar contains an entry for this variant (Variation ID: 1467865). Variants that disrupt the consensus splice site are a relatively common cause of aberrant splicing (PMID: 17576681, 9536098). Algorithms developed to predict the effect of sequence changes on RNA splicing suggest that this variant is not likely to affect RNA splicing. In summary, the available evidence is currently insufficient to determine the role of this variant in disease. Therefore, it has been classified as a Variant of Uncertain Significance.

Literature cited by the submitters: PubMed 17576681; PubMed 9536098.